The following is an entry in ClinVar:

ClinVar aggregate classification (germline): Pathogenic/Likely pathogenic. Review status: criteria provided, multiple submitters, no conflicts (2 of 4 stars). 4 submissions from 4 submitters: Pathogenic (2); Likely pathogenic (1). 1 of the submissions does not count toward it. Last evaluated 2026-10-18.

Conditions:
Inborn genetic diseases. Identifiers: MedGen C0950123, MeSH D030342.
Congenital myasthenic syndrome 13 (CMS13). Also called: Myasthenic syndrome, congenital, with tubular aggregates 2; Myasthenic syndrome, congenital, 13, with tubular aggregates. Identifiers: Orphanet 353327, Orphanet 590, MedGen C3553645, MONDO:0013883, OMIM 614750.
DPAGT1-congenital disorder of glycosylation. Also called: CONGENITAL DISORDER OF GLYCOSYLATION, TYPE Ij; CDG Ij; DPAGT1-CDG. Identifiers: Orphanet 86309, MedGen C2931004, MONDO:0011964, OMIM 608093.
Congenital disorder of glycosylation (CDG). Also called: Carbohydrate-deficient glycoprotein syndrome; Congenital disorders of glycosylation. Identifiers: Orphanet 137, MedGen C0282577, MONDO:0015286.

Submissions (4):

GeneDx
Classification: Likely pathogenic. Last evaluated: 2026-10-18. Review status: criteria provided, single submitter. Criteria: GeneDx Variant Classification Process June 2021. Collection method: clinical testing. Allele origin: germline.
Comment: Observed in individuals with congenital disorder of glycosylation who had a second a pathogenic variant DPAGT1, but it is not known whether the variants occurred on the same (in cis) or on different (in trans) chromosomes in all cases (PMID: 30117111); Observed with a second DPAGT1 variant in trans in an individual with childhood onset limb-girdle weakness (PMID: 38124360); Frameshift variant predicted to result in protein truncation or nonsense mediated decay in a gene for which loss of function is a known mechanism of disease; Not observed at significant frequency in large population cohorts (gnomAD); This variant is associated with the following publications: (PMID: 30117111, 33340551, 37766827, 38124360)

Labcorp Genetics (formerly Invitae), Labcorp
Classification: Pathogenic for Congenital myasthenic syndrome 13; DPAGT1-congenital disorder of glycosylation. Last evaluated: 2024-10-03. Review status: criteria provided, single submitter. Criteria: Invitae Variant Classification Sherloc (09022015). Collection method: clinical testing. Allele origin: germline.
Comment: This sequence change creates a premature translational stop signal (p.Ser133Alafs*64) in the DPAGT1 gene. It is expected to result in an absent or disrupted protein product. Loss-of-function variants in DPAGT1 are known to be pathogenic (PMID: 22742743). This variant is present in population databases (no rsID available, gnomAD 0.003%). This premature translational stop signal has been observed in individual(s) with clinical features of DPAGT1-congenital disorder of glycosylation (PMID: 30117111). ClinVar contains an entry for this variant (Variation ID: 521720). For these reasons, this variant has been classified as Pathogenic.

Ambry Genetics
Classification: Pathogenic for Inborn genetic diseases. Last evaluated: 2016-04-20. Review status: criteria provided, single submitter. Criteria: Ambry exome assertion method (8-5-2015). Collection method: clinical testing. Allele origin: germline. Affected: yes. Observed: 1 variant allele.

University of Washington Center for Mendelian Genomics, University of Washington
Classification: Likely pathogenic for congenital disorder of glycosylation. Review status: no assertion criteria provided. Collection method: research. Allele origin: unknown. Affected: yes. Not counted in ClinVar's aggregate classification.

Literature cited by the submitters: PubMed 22742743 (cited by Labcorp Genetics (formerly Invitae), Labcorp); PubMed 30117111 (cited by Labcorp Genetics (formerly Invitae), Labcorp and University of Washington Center for Mendelian Genomics, University of Washington).

NM_001382.4(DPAGT1):c.380_395dup (p.Ser133fs)

Gene: DPAGT1 (dolichyl-phosphate N-acetylglucosaminephosphotransferase 1; minus strand). Cytogenetic location: 11q23.3.
Variant type: Duplication.
Coding change: c.380_395dup on transcript NM_001382.4 (MANE Select); coding-DNA positions 380 to 395, 16 bases duplicated (TGCTACCTACAGCTGC).
Protein change: p.Ser133fs; shifts the reading frame from serine 133.
Molecular consequence: frameshift variant.
Genome position (GRCh38, 1-based): chr11:119,100,731-119,100,746, GCAGCTGTAGGTAGCA duplicated on the plus strand (TGCTACCTACAGCTGC on the coding strand, the reverse complement: DPAGT1 is on the minus strand); duplicating any 16 consecutive bases within chr11:119,100,731-119,100,752 gives the same sequence; the c. name uses the placement nearest the transcript's 3' end. VCF-style (leftmost placement, unchanged base first): chr11-119100730-G-GGCAGCTGTAGGTAGCA. GRCh37 (hg19) VCF-style: chr11-118971440-G-GGCAGCTGTAGGTAGCA.
Other names: c.380_395dupTGCTACCTACAGCTGC (NM_001382.3); c.380_395dup16 (NM_001382.3); short protein forms S133fs.
Identifiers: ClinVar variation 521720 (VCV000521720.13), dbSNP rs1185483085, ClinGen allele CA477369991.